The following is an entry in ClinVar:

ClinVar aggregate classification (germline): Uncertain significance (1 of 4 stars; one submission).

Conditions:
Inborn genetic diseases. Identifiers: MedGen C0950123, MeSH D030342.

Submission:

Ambry Genetics
Classification: Uncertain significance for Inborn genetic diseases. Last evaluated: 2025-02-22. Review status: criteria provided, single submitter. Criteria: Ambry Variant Classification Scheme 2023. Collection method: clinical testing. Allele origin: germline.
Comment: The p.S68C variant (also known as c.202A>T), located in coding exon 3 of the DDX41 gene, results from an A to T substitution at nucleotide position 202. The serine at codon 68 is replaced by cysteine, an amino acid with dissimilar properties. This amino acid position is conserved. In addition, this alteration is predicted to be tolerated by in silico analysis. Based on the available evidence, the clinical significance of this variant remains unclear.

NM_016222.4(DDX41):c.202A>T (p.Ser68Cys)

Gene: DDX41 (DEAD-box helicase 41; minus strand). Cytogenetic location: 5q35.3.
Variant type: single nucleotide variant.
Coding change: c.202A>T on transcript NM_016222.4 (MANE Select); coding-DNA position 202, A replaced by T.
Protein change: p.Ser68Cys; replaces serine 68 with cysteine.
Molecular consequence: missense variant. On other transcripts: 5 prime UTR variant (2).
Genome position (GRCh38, 1-based): chr5:177,516,384, T>A on the plus strand (A>T on the coding strand, the complement: DDX41 is on the minus strand). VCF-style: chr5-177516384-T-A. GRCh37 (hg19) VCF-style: chr5-176943385-T-A.
Other names: c.-177A>T (NM_001321732.2, NM_001321830.2); short protein forms S68C.
Identifiers: ClinVar variation 3839054 (VCV003839054.1).